The following is an entry in ClinVar:

ClinVar aggregate classification (germline): Likely benign. Review status: criteria provided, multiple submitters, no conflicts (2 of 4 stars). 3 submissions from 3 submitters: Likely benign (3). Last evaluated 2026-06-16.

Conditions:
Heterotopia, periventricular, X-linked dominant (PVNH1). Also called: PERIVENTRICULAR NODULAR HETEROTOPIA 4; HETEROTOPIA, PERIVENTRICULAR, 1; PERIVENTRICULAR NODULAR HETEROTOPIA 1; X-linked periventricular heterotopia. Identifiers: Orphanet 2149, Orphanet 82004, MedGen C1848213, MONDO:0010233, OMIM 300049.
Melnick-Needles syndrome (MNS). Also called: Melnick-Needles Syndrome (FLNA-MNS); MELNICK-NEEDLES OSTEODYSPLASTY; OSTEODYSPLASTY OF MELNICK AND NEEDLES. Identifiers: Orphanet 2484, MedGen C0025237, MONDO:0010650, OMIM 309350.
Oto-palato-digital syndrome, type II (OPD2). Also called: Otopalatodigital Syndrome Type 2 (FLNA-OPD2); Otopalatodigital Syndrome, Type II; OPD II SYNDROME; FACIOPALATOOSSEOUS SYNDROME. Identifiers: Orphanet 669, Orphanet 90652, MedGen C1844696, MONDO:0010571, OMIM 304120.
Frontometaphyseal dysplasia (FMD1). Identifiers: Orphanet 1826, MedGen C0265293, MONDO:0015942.

Allele frequency attached by ClinVar (database versions not stated): gnomAD exomes below 0.00001.
gnomAD v4.1: 2 of 1,211,855 alleles (0.00017%); highest among the groups gnomAD compares: Non-Finnish European, 0.00022%; no homozygotes.

Submissions (3):

Women's Health and Genetics/Laboratory Corporation of America, LabCorp
Classification: Likely benign. Last evaluated: 2026-06-16. Review status: criteria provided, single submitter. Criteria: LabCorp Variant Classification Summary - May 2015. Collection method: clinical testing. Allele origin: germline.

Labcorp Genetics (formerly Invitae), Labcorp
Classification: Likely benign for Oto-palato-digital syndrome, type II; Heterotopia, periventricular, X-linked dominant; Frontometaphyseal dysplasia; Melnick-Needles syndrome. Last evaluated: 2022-03-26. Review status: criteria provided, single submitter. Criteria: Invitae Variant Classification Sherloc (09022015). Collection method: clinical testing. Allele origin: germline.

GeneDx
Classification: Likely benign. Last evaluated: 2017-05-15. Review status: criteria provided, single submitter. Criteria: GeneDx Variant Classification (06012015). Collection method: clinical testing. Allele origin: germline. Affected: yes.
Comment: This variant is considered likely benign or benign based on one or more of the following criteria: it is a conservative change, it occurs at a poorly conserved position in the protein, it is predicted to be benign by multiple in silico algorithms, and/or has population frequency not consistent with disease.

NM_001110556.2(FLNA):c.2676C>T (p.Pro892=)

Gene: FLNA (filamin A; minus strand). Cytogenetic location: Xq28.
Variant type: single nucleotide variant.
Coding change: c.2676C>T on transcript NM_001110556.2 (MANE Select); coding-DNA position 2676, C replaced by T.
Protein change: p.Pro892=; no amino-acid change (proline 892 retained).
Molecular consequence: synonymous variant.
Genome position (GRCh38, 1-based): chrX:154,362,129, G>A on the plus strand (C>T on the coding strand, the complement: FLNA is on the minus strand). VCF-style: chrX-154362129-G-A. GRCh37 (hg19) VCF-style: chrX-153590497-G-A.
Other names: c.2676C>T, p.Pro892= (NM_001456.4).
Identifiers: ClinVar variation 509640 (VCV000509640.10), dbSNP rs1557178162, ClinGen allele CA519708439.